The following is an entry in ClinVar:

ClinVar aggregate classification (germline): Likely benign. Review status: criteria provided, multiple submitters, no conflicts (2 of 4 stars). 2 submissions from 2 submitters: Likely benign (2). Last evaluated 2025-12-01.

Allele frequency attached by ClinVar (database versions not stated): gnomAD 0.00001; gnomAD exomes 0.00002 and 0.00004; ExAC 0.00003; TOPMed 0.00003.
gnomAD v4.1: 29 of 1,613,976 alleles (0.0018%); highest among the groups gnomAD compares: South Asian, 0.0055%; no homozygotes.

Submissions (2):

CeGaT Center for Human Genetics Tuebingen
Classification: Likely benign. Last evaluated: 2025-12-01. Review status: criteria provided, single submitter. Criteria: CeGaT Center For Human Genetics Tuebingen Variant Classification Criteria Version 2. Collection method: clinical testing. Allele origin: germline. Affected: yes. Observed: 1 variant allele.
Comment: MTOR: BP4

Labcorp Genetics (formerly Invitae), Labcorp
Classification: Likely benign. Last evaluated: 2025-01-30. Review status: criteria provided, single submitter. Criteria: Invitae Variant Classification Sherloc (09022015). Collection method: clinical testing. Allele origin: germline.

NM_004958.4(MTOR):c.2650-5C>T

Gene: MTOR (mechanistic target of rapamycin kinase; minus strand). Cytogenetic location: 1p36.22.
Variant type: single nucleotide variant.
Coding change: c.2650-5C>T on transcript NM_004958.4 (MANE Select); 5 bases into the intron before coding-DNA position 2650, C replaced by T.
Molecular consequence: intron variant.
Genome position (GRCh38, 1-based): chr1:11,231,059, G>A on the plus strand (C>T on the coding strand, the complement: MTOR is on the minus strand). VCF-style: chr1-11231059-G-A. GRCh37 (hg19) VCF-style: chr1-11291116-G-A.
Other names: c.1402-5C>T (NM_001386501.1); c.2650-5C>T (NM_001386500.1).
Identifiers: ClinVar variation 1570331 (VCV001570331.13), dbSNP rs777197140, ClinGen allele CA590405.